The following is an entry in ClinVar:

ClinVar aggregate classification (germline): Likely pathogenic. Review status: criteria provided, multiple submitters, no conflicts (2 of 4 stars). 2 submissions from 2 submitters: Likely pathogenic (2). Last evaluated 2026-04-21.

Conditions:
Hereditary cancer-predisposing syndrome. Also called: Hereditary Cancer Syndrome; Hereditary neoplastic syndrome; Neoplastic Syndromes, Hereditary; Tumor predisposition. Identifiers: Orphanet 140162, MedGen C0027672, MeSH D009386, MONDO:0015356.
Ataxia-telangiectasia syndrome (AT). Also called: Ataxia-telangiectasia, complementation group D; AT, COMPLEMENTATION GROUP C; LOUIS-BAR SYNDROME; Cerebello-oculocutaneous telangiectasia; Immunodeficiency with ataxia telangiectasia; ATAXIA-TELANGIECTASIA, COMPLEMENTATION GROUP A. Identifiers: Orphanet 100, MedGen C0004135, MONDO:0008840, OMIM 208900.

Submissions (2):

Ambry Genetics
Classification: Likely pathogenic for Hereditary cancer-predisposing syndrome. Last evaluated: 2026-04-21. Review status: criteria provided, single submitter. Criteria: Ambry Variant Classification Scheme 2023. Collection method: clinical testing. Allele origin: germline.
Comment: The c.5496+2T>C intronic variant results from a T to C substitution two nucleotides after coding exon 35 in the ATM gene. Variants that disrupt the canonical splice site are expected to result in aberrant splicing. In silico splice site analysis predicts that this alteration will weaken the native splice donor site. A resulting transcript is predicted to be in-frame and is not expected to trigger nonsense-mediated mRNA decay; although, direct evidence is unavailable. However, the region predicted to be impacted is critical for protein function (Ambry internal data). This variant has been identified in conjunction with another ATM variant in an individual with features consistent with ataxia telangiectasia (Micol R et al. J Allergy Clin Immunol, 2011 Aug;128:382-9.e1). This variant was also identified in a cohort of 767 high-risk breast and/or ovarian cancer patients (Cast&eacute;ra L et al. Eur J Hum Genet, 2014 Nov;22:1305-13). This variant is considered to be rare based on population cohorts in the Genome Aggregation Database (gnomAD). This nucleotide position is highly conserved in available vertebrate species. Based on the majority of available evidence to date, this variant is likely to be pathogenic.

Labcorp Genetics (formerly Invitae), Labcorp
Classification: Likely pathogenic for Ataxia-telangiectasia syndrome. Last evaluated: 2024-04-05. Review status: criteria provided, single submitter. Criteria: Invitae Variant Classification Sherloc (09022015). Collection method: clinical testing. Allele origin: germline.
Comment: This sequence change affects a donor splice site in intron 36 of the ATM gene. It is expected to disrupt RNA splicing. Variants that disrupt the donor or acceptor splice site typically lead to a loss of protein function (PMID: 16199547), and loss-of-function variants in ATM are known to be pathogenic (PMID: 23807571, 25614872). This variant is not present in population databases (gnomAD no frequency). Disruption of this splice site has been observed in individual(s) with ataxia-telangiectasia and/or breast and/or ovarian cancer (PMID: 21665257, 24549055). This variant is also known as IVS38+2T>C. Algorithms developed to predict the effect of sequence changes on RNA splicing suggest that this variant may disrupt the consensus splice site. In summary, the currently available evidence indicates that the variant is pathogenic, but additional data are needed to prove that conclusively. Therefore, this variant has been classified as Likely Pathogenic.

Literature cited by the submitters: PubMed 21665257 (cited by Ambry Genetics and Labcorp Genetics (formerly Invitae), Labcorp); PubMed 24549055 (cited by Ambry Genetics and Labcorp Genetics (formerly Invitae), Labcorp); PubMed 16199547 (cited by Labcorp Genetics (formerly Invitae), Labcorp); PubMed 23807571 (cited by Labcorp Genetics (formerly Invitae), Labcorp); PubMed 25614872 (cited by Labcorp Genetics (formerly Invitae), Labcorp).

NM_000051.4(ATM):c.5496+2T>C

Gene: ATM (ATM serine/threonine kinase; plus strand). Cytogenetic location: 11q22.3.
Variant type: single nucleotide variant.
Coding change: c.5496+2T>C on transcript NM_000051.4 (MANE Select); the canonical splice donor site of the intron after coding-DNA position 5496, T replaced by C.
Molecular consequence: splice donor variant.
Genome position (GRCh38, 1-based): chr11:108,303,031, T>C. VCF-style: chr11-108303031-T-C. GRCh37 (hg19) VCF-style: chr11-108173758-T-C.
Other names: c.5496+2T>C (NM_001351834.2, NM_000051.3).
Identifiers: ClinVar variation 3721087 (VCV003721087.3).